The following is an entry in ClinVar:

ClinVar aggregate classification (germline): Pathogenic (1 of 4 stars; one submission).

Conditions:
Spastic paraplegia. Identifiers: MedGen C0037772, HP:0001258.

Submission:

Labcorp Genetics (formerly Invitae), Labcorp
Classification: Pathogenic for Spastic paraplegia. Last evaluated: 2020-12-22. Review status: criteria provided, single submitter. Criteria: Invitae Variant Classification Sherloc (09022015). Collection method: clinical testing. Allele origin: germline.
Comment: This variant has not been reported in the literature in individuals with ZFYVE26-related conditions. This variant is not present in population databases (ExAC no frequency). This sequence change creates a premature translational stop signal (p.Ser656Lysfs*7) in the ZFYVE26 gene. It is expected to result in an absent or disrupted protein product. Loss-of-function variants in ZFYVE26 are known to be pathogenic (PMID: 18394578, 19805727). For these reasons, this variant has been classified as Pathogenic.

Literature cited by the submitters: PubMed 18394578; PubMed 19805727.

NM_015346.4(ZFYVE26):c.1966dup (p.Ser656fs)

Gene: ZFYVE26 (zinc finger FYVE-type containing 26; minus strand). Cytogenetic location: 14q24.1.
Variant type: Duplication.
Coding change: c.1966dup on transcript NM_015346.4 (MANE Select); coding-DNA position 1966, one base duplicated (A; older notation c.1966dupA).
Protein change: p.Ser656fs; shifts the reading frame from serine 656.
Molecular consequence: frameshift variant.
Genome position (GRCh38, 1-based): chr14:67,798,296, T duplicated on the plus strand (A on the coding strand, the reverse complement: ZFYVE26 is on the minus strand). VCF-style (leftmost placement, unchanged base first): chr14-67798295-C-CT. GRCh37 (hg19) VCF-style: chr14-68265012-C-CT.
Other names: short protein forms S656fs.
Identifiers: ClinVar variation 1434894 (VCV001434894.6), dbSNP rs2140242999, ClinGen allele CA2573150151.